The following is an entry in ClinVar:

NM_001006630.2(CHRM2):c.713G>C (p.Gly238Ala)

Genes: CHRM2 (cholinergic receptor muscarinic 2; plus strand), LOC349160 (uncharacterized LOC349160; minus strand). Cytogenetic location: 7q33.
Variant type: single nucleotide variant.
Coding change: c.713G>C on transcript NM_001006630.2 (MANE Select); coding-DNA position 713, G replaced by C.
Protein change: p.Gly238Ala; replaces glycine 238 with alanine.
Molecular consequence: missense variant.
Genome position (GRCh38, 1-based): chr7:137,015,578, G>C. VCF-style: chr7-137015578-G-C. GRCh37 (hg19) VCF-style: chr7-136700325-G-C.
Other names: c.713G>C, p.Gly238Ala (NM_000739.3, NM_001006626.3, NM_001006627.3 and 6 more transcripts); short protein forms G238A.
Identifiers: ClinVar variation 2056012 (VCV002056012.5), dbSNP rs562591207, ClinGen allele CA4500563.

ClinVar aggregate classification (germline): Uncertain significance. Review status: criteria provided, multiple submitters, no conflicts (2 of 4 stars). 2 submissions from 2 submitters: Uncertain significance (2). Last evaluated 2025-08-09.

Allele frequency attached by ClinVar (database versions not stated): gnomAD 0.00005; gnomAD exomes 0.00004; ExAC 0.00007; 1000 Genomes Project 0.00040; TOPMed 0.00001; 1000 Genomes Project 30x 0.00031.

Submissions (2):

Labcorp Genetics (formerly Invitae), Labcorp
Classification: Uncertain significance. Last evaluated: 2025-08-09. Review status: criteria provided, single submitter. Criteria: Invitae Variant Classification Sherloc (09022015). Collection method: clinical testing. Allele origin: germline.
Comment: This sequence change replaces glycine, which is neutral and non-polar, with alanine, which is neutral and non-polar, at codon 238 of the CHRM2 protein (p.Gly238Ala). This variant is present in population databases (rs562591207, gnomAD 0.05%), and has an allele count higher than expected for a pathogenic variant. This variant has not been reported in the literature in individuals affected with CHRM2-related conditions. ClinVar contains an entry for this variant (Variation ID: 2056012). An algorithm developed to predict the effect of missense changes on protein structure and function (PolyPhen-2) suggests that this variant is likely to be tolerated. In summary, the available evidence is currently insufficient to determine the role of this variant in disease. Therefore, it has been classified as a Variant of Uncertain Significance.

Ambry Genetics
Classification: Uncertain significance. Last evaluated: 2021-07-20. Review status: criteria provided, single submitter. Criteria: Ambry Variant Classification Scheme 2023. Collection method: clinical testing. Allele origin: germline.